The following is an entry in ClinVar:

ClinVar aggregate classification (germline): Pathogenic (1 of 4 stars; one submission).

Conditions:
Neurofibromatosis, type 1 (NF1). Also called: VON RECKLINGHAUSEN DISEASE; Peripheral type neurofibromatosis; NEUROFIBROMATOSIS, TYPE I, SOMATIC; Neurofibromatosis, type I. Identifiers: Orphanet 636, MedGen C0027831, MONDO:0018975, OMIM 162200. Disease mechanism: loss of function.

Submission:

Labcorp Genetics (formerly Invitae), Labcorp
Classification: Pathogenic for Neurofibromatosis, type 1. Last evaluated: 2026-01-25. Review status: criteria provided, single submitter. Criteria: Invitae Variant Classification Sherloc (09022015). Collection method: clinical testing. Allele origin: germline.
Comment: This sequence change creates a premature translational stop signal (p.Asp1217Valfs*22) in the NF1 gene. It is expected to result in an absent or disrupted protein product. Loss-of-function variants in NF1 are known to be pathogenic (PMID: 10712197, 23913538). This variant is not present in population databases (gnomAD no frequency). This variant has not been reported in the literature in individuals affected with NF1-related conditions. For these reasons, this variant has been classified as Pathogenic.

Literature cited by the submitters: PubMed 10712197; PubMed 23913538.

NM_001042492.3(NF1):c.3649_3650insT (p.Asp1217fs)

Gene: NF1 (neurofibromin 1; plus strand). Cytogenetic location: 17q11.2.
Variant type: Insertion.
Coding change: c.3649_3650insT on transcript NM_001042492.3 (MANE Select); coding-DNA positions 3649 to 3650, T inserted.
Protein change: p.Asp1217fs; shifts the reading frame from aspartic acid 1217.
Molecular consequence: frameshift variant.
Genome position: GRCh38 VCF-style: chr17-31233154-G-GT. GRCh37 (hg19) VCF-style: chr17-29560172-G-GT.
Other names: c.3649_3650insT, p.Asp1217fs (NM_000267.4); short protein forms D1217fs.
Identifiers: ClinVar variation 4736108 (VCV004736108.1).